The following is an entry in ClinVar:

NM_001082486.2(ACD):c.446A>C (p.Tyr149Ser)

Gene: ACD (ACD shelterin complex subunit and telomerase recruitment factor; minus strand). Cytogenetic location: 16q22.1.
Variant type: single nucleotide variant.
Coding change: c.446A>C on transcript NM_001082486.2 (MANE Select); coding-DNA position 446, A replaced by C.
Protein change: p.Tyr149Ser; replaces tyrosine 149 with serine.
Molecular consequence: missense variant.
Genome position (GRCh38, 1-based): chr16:67,659,387, T>G on the plus strand (A>C on the coding strand, the complement: ACD is on the minus strand). VCF-style: chr16-67659387-T-G. GRCh37 (hg19) VCF-style: chr16-67693290-T-G.
Other names: c.446A>C, p.Tyr149Ser (NM_001410884.1); c.437A>C, p.Tyr146Ser (NM_022914.3); short protein forms Y146S, Y149S.
Identifiers: ClinVar variation 1756862 (VCV001756862.3), dbSNP rs200909340, ClinGen allele CA8114686.
Genomic context (GRCh38, chr16:67,659,387, plus strand): 5'-TCCCCTCACCAAACAACACGTGGCCCCCGAGCCCAACCCCAGACTCACTCAAGGCAGTCA[T>G]AGAGCTTTTTCTGAACATCTAAGTCTTGGTTGCTAAGAAAAAGAGAAGGGTAGTTAATGG-3'
Protein context (NP_001075955.2, residues 139-159): NQDLDVQKKL[Tyr149Ser]DCLEEHLSES

ClinVar aggregate classification (germline): Uncertain significance (1 of 4 stars; one submission).

Conditions:
Inborn genetic diseases. Identifiers: MedGen C0950123, MeSH D030342.

gnomAD v4.1: 6 of 1,613,912 alleles (0.00037%); highest among the groups gnomAD compares: East Asian, 0.013%; no homozygotes.

Submission:

Ambry Genetics
Classification: Uncertain significance for Inborn genetic diseases. Last evaluated: 2024-05-10. Review status: criteria provided, single submitter. Criteria: Ambry Variant Classification Scheme 2023. Collection method: clinical testing. Allele origin: germline.
Comment: The p.Y235S variant (also known as c.704A>C), located in coding exon 5 of the ACD gene, results from an A to C substitution at nucleotide position 704. The tyrosine at codon 235 is replaced by serine, an amino acid with dissimilar properties. This amino acid position is conserved. In addition, this alteration is predicted to be tolerated by in silico analysis. Since supporting evidence is limited at this time, the clinical significance of this alteration remains unclear.